The following is an entry in ClinVar:

ClinVar aggregate classification (germline): Benign. Review status: criteria provided, single submitter (1 of 4 stars). 2 submissions from 2 submitters: Benign (1). 1 of the submissions does not count toward it. Last evaluated 2026-08-01.

Conditions:
ABCA13-related disorder. Also called: ABCA13-related condition.

Allele frequency attached by ClinVar (database versions not stated): 1000 Genomes Project 30x 0.00031; 1000 Genomes Project 0.00040; TOPMed 0.00095; gnomAD 0.00104; ESP Exome Variant Server 0.00144.
gnomAD v4.1: 2,337 of 1,610,400 alleles (0.15%); highest among the groups gnomAD compares: Non-Finnish European, 0.18%; 1 homozygote.

Submissions (2):

CeGaT Center for Human Genetics Tuebingen
Classification: Benign. Last evaluated: 2026-08-01. Review status: criteria provided, single submitter. Criteria: CeGaT Center For Human Genetics Tuebingen Variant Classification Criteria Version 2. Collection method: clinical testing. Allele origin: germline. Affected: yes. Observed: 2 variant alleles.
Comment: ABCA13: BS1, BS2

PreventionGenetics, part of Exact Sciences
Classification: Likely benign for ABCA13-related condition. Last evaluated: 2023-05-17. Review status: no assertion criteria provided. Collection method: clinical testing. Allele origin: germline. Not counted in ClinVar's aggregate classification.
Comment: This variant is classified as likely benign based on ACMG/AMP sequence variant interpretation guidelines (Richards et al. 2015 PMID: 25741868, with internal and published modifications).

NM_152701.5(ABCA13):c.4078G>A (p.Asp1360Asn)

Gene: ABCA13 (ATP binding cassette subfamily A member 13; plus strand). Cytogenetic location: 7p12.3.
Variant type: single nucleotide variant.
Coding change: c.4078G>A on transcript NM_152701.5 (MANE Select); coding-DNA position 4078, G replaced by A.
Protein change: p.Asp1360Asn; replaces aspartic acid 1360 with asparagine.
Molecular consequence: missense variant.
Genome position (GRCh38, 1-based): chr7:48,273,744, G>A. VCF-style: chr7-48273744-G-A. GRCh37 (hg19) VCF-style: chr7-48313341-G-A.
Other names: short protein forms D1360N.
Identifiers: ClinVar variation 3049611 (VCV003049611.21), dbSNP rs141067757, ClinGen allele CA4256954.
Genomic context (GRCh38, chr7:48,273,744, plus strand): 5'-GATCGAGATTTGTTTTCCTGTGCTGATATTTTCCAAAATGTTACTGAGTGTATTTTAGAA[G>A]ATGGCTTTTTATATGTAAATACCTCACAGAGGATGTTACGTATTCTAGACACGTTAAATT-3'
Protein context (NP_689914.3, residues 1350-1370): FQNVTECILE[Asp1360Asn]GFLYVNTSQR